The following is an entry in ClinVar:

NM_201384.3(PLEC):c.9379C>T (p.Arg3127Trp)

Gene: PLEC (plectin; minus strand). Cytogenetic location: 8q24.3.
Variant type: single nucleotide variant.
Coding change: c.9379C>T on transcript NM_201384.3 (MANE Select); coding-DNA position 9379, C replaced by T.
Protein change: p.Arg3127Trp; replaces arginine 3127 with tryptophan.
Molecular consequence: missense variant.
Genome position (GRCh38, 1-based): chr8:143,920,442, G>A on the plus strand (C>T on the coding strand, the complement: PLEC is on the minus strand). VCF-style: chr8-143920442-G-A. GRCh37 (hg19) VCF-style: chr8-144994610-G-A.
Other names: c.9460C>T, p.Arg3154Trp (NM_000445.5); c.9337C>T, p.Arg3113Trp (NM_201378.4); c.9313C>T, p.Arg3105Trp (NM_201379.3); c.9790C>T, p.Arg3264Trp (NM_201380.4); c.9283C>T, p.Arg3095Trp (NM_201381.3); c.9379C>T, p.Arg3127Trp (NM_201382.4); c.9391C>T, p.Arg3131Trp (NM_201383.3); short protein forms R3095W, R3131W, R3264W, R3154W, R3105W, R3113W, R3127W.
Identifiers: ClinVar variation 581230 (VCV000581230.12), dbSNP rs781795878, ClinGen allele CA4924989.

ClinVar aggregate classification (germline): Uncertain significance. Review status: criteria provided, multiple submitters, no conflicts (2 of 4 stars). 2 submissions from 2 submitters: Uncertain significance (2). Last evaluated 2025-04-07.

Conditions:
Epidermolysis bullosa simplex 5C, with pyloric atresia (EBS5C). Also called: PLEC1-Related Epidermolysis Bullosa with Pyloric Atresia; PLEC-Related Epidermolysis Bullosa with Pyloric Atresia; Epidermolysis bullosa simplex with pyloric atresia. Identifiers: Orphanet 158684, MedGen C2677349, MONDO:0012807, OMIM 612138.
Epidermolysis bullosa simplex with nail dystrophy (EBS5D). Identifiers: MedGen C4225309, MONDO:0014661, OMIM 616487.
Autosomal recessive limb-girdle muscular dystrophy type 2Q (LGMDR17). Also called: MUSCULAR DYSTROPHY, LIMB-GIRDLE, AUTOSOMAL RECESSIVE 17. Identifiers: Orphanet 254361, MedGen C3150989, MONDO:0013390, OMIM 613723.
Epidermolysis bullosa simplex 5B, with muscular dystrophy (EBS5B). Also called: Epidermolysis bullosa simplex with muscular dystrophy; EPIDERMOLYSIS BULLOSA SIMPLEX AND LIMB-GIRDLE MUSCULAR DYSTROPHY. Identifiers: Orphanet 257, MedGen C2931072, MONDO:0009181, OMIM 226670.
Epidermolysis bullosa simplex, Ogna type (EBS5A). Also called: Pidermolysis bullosa simplex 5A, Ogna type; EPIDERMOLYSIS BULLOSA SIMPLEX 5A, OGNA TYPE. Identifiers: Orphanet 79401, MedGen C0432317, MONDO:0007555, OMIM 131950.

Allele frequency attached by ClinVar (database versions not stated): gnomAD 0.00001 and 0.00003; gnomAD exomes 0.00002 and 0.00003; TOPMed 0.00003; ExAC 0.00007.

Submissions (2):

Labcorp Genetics (formerly Invitae), Labcorp
Classification: Uncertain significance for Autosomal recessive limb-girdle muscular dystrophy type 2Q; Epidermolysis bullosa simplex, Ogna type; Epidermolysis bullosa simplex with nail dystrophy; Epidermolysis bullosa simplex 5C, with pyloric atresia; Epidermolysis bullosa simplex 5B, with muscular dystrophy. Last evaluated: 2025-04-07. Review status: criteria provided, single submitter. Criteria: Invitae Variant Classification Sherloc (09022015). Collection method: clinical testing. Allele origin: germline.
Comment: This sequence change replaces arginine, which is basic and polar, with tryptophan, which is neutral and slightly polar, at codon 3154 of the PLEC protein (p.Arg3154Trp). This variant is present in population databases (rs781795878, gnomAD 0.01%). This variant has not been reported in the literature in individuals affected with PLEC-related conditions. ClinVar contains an entry for this variant (Variation ID: 581230). An algorithm developed to predict the effect of missense changes on protein structure and function (PolyPhen-2) suggests that this variant is likely to be disruptive. In summary, the available evidence is currently insufficient to determine the role of this variant in disease. Therefore, it has been classified as a Variant of Uncertain Significance.

Breakthrough Genomics
Classification: Uncertain significance. Review status: criteria provided, single submitter. Criteria: ACMG Guidelines, 2015. Collection method: not provided. Allele origin: germline. Inheritance: Autosomal recessive inheritance. Affected: yes.